The following is an entry in ClinVar:

NM_016013.4(NDUFAF1):c.785C>T (p.Ser262Phe)

Gene: NDUFAF1 (NADH:ubiquinone oxidoreductase complex assembly factor 1; minus strand). Cytogenetic location: 15q15.1.
Variant type: single nucleotide variant.
Coding change: c.785C>T on transcript NM_016013.4 (MANE Select); coding-DNA position 785, C replaced by T.
Protein change: p.Ser262Phe; replaces serine 262 with phenylalanine.
Molecular consequence: missense variant. On other transcripts: non-coding transcript variant (1).
Genome position (GRCh38, 1-based): chr15:41,388,497, G>A on the plus strand (C>T on the coding strand, the complement: NDUFAF1 is on the minus strand). VCF-style: chr15-41388497-G-A. GRCh37 (hg19) VCF-style: chr15-41680695-G-A.
Other names: short protein forms S262F.
Identifiers: ClinVar variation 2616958 (VCV002616958.3), dbSNP rs201756363, ClinGen allele CA7491241.
Genomic context (GRCh38, chr15:41,388,497, plus strand): 5'-GAATATGTTACCTTATCAAGCGGAAGCTCATGCTGAACATCCCGGATTCTTCCTCGATTA[G>A]AGAAGAAAAATTTGGAAAAAGGAATCTGAAAGAAGAAACCATTTACTTCATAACTGAAAT-3'
Protein context (NP_057097.2, residues 252-272): VKIPFSKFFF[Ser262Phe]NRGRIRDVQH

ClinVar aggregate classification (germline): Uncertain significance. Review status: criteria provided, multiple submitters, no conflicts (2 of 4 stars). 2 submissions from 2 submitters: Uncertain significance (2). Last evaluated 2026-03-31.

Allele frequency attached by ClinVar (database versions not stated): TOPMed 0.00001; gnomAD exomes below 0.00001.
gnomAD v4.1: 4 of 1,612,782 alleles (0.00025%); highest among the groups gnomAD compares: Admixed American, 0.0033%; no homozygotes.

Submissions (2):

GeneDx
Classification: Uncertain significance. Last evaluated: 2026-03-31. Review status: criteria provided, single submitter. Criteria: GeneDx Variant Classification Process June 2021. Collection method: clinical testing. Allele origin: germline.
Comment: Not observed at significant frequency in large population cohorts (gnomAD); In silico analysis supports that this missense variant has a deleterious effect on protein structure/function; Has not been previously published as pathogenic or benign to our knowledge

Ambry Genetics
Classification: Uncertain significance. Last evaluated: 2023-08-08. Review status: criteria provided, single submitter. Criteria: Ambry Variant Classification Scheme 2023. Collection method: clinical testing. Allele origin: germline.